The following is an entry in ClinVar:

ClinVar aggregate classification (germline): Uncertain significance (1 of 4 stars; one submission).

Conditions:
Inborn genetic diseases. Identifiers: MedGen C0950123, MeSH D030342.

Submission:

Ambry Genetics
Classification: Uncertain significance for Inborn genetic diseases. Last evaluated: 2021-03-05. Review status: criteria provided, single submitter. Criteria: Ambry Variant Classification Scheme 2023. Collection method: clinical testing. Allele origin: germline.
Comment: The p.L56R variant (also known as c.167T>G), located in coding exon 2 of the ATP7A gene, results from a T to G substitution at nucleotide position 167. The leucine at codon 56 is replaced by arginine, an amino acid with dissimilar properties. This amino acid position is not well conserved in available vertebrate species. In addition, this alteration is predicted to be tolerated by in silico analysis. Since supporting evidence is limited at this time, the clinical significance of this alteration remains unclear.

NM_000052.7(ATP7A):c.167T>G (p.Leu56Arg)

Gene: ATP7A (ATPase copper transporting alpha; plus strand). Cytogenetic location: Xq21.1.
Variant type: single nucleotide variant.
Coding change: c.167T>G on transcript NM_000052.7 (MANE Select); coding-DNA position 167, T replaced by G.
Protein change: p.Leu56Arg; replaces leucine 56 with arginine.
Molecular consequence: missense variant.
Genome position (GRCh38, 1-based): chrX:77,988,288, T>G. VCF-style: chrX-77988288-T-G. GRCh37 (hg19) VCF-style: chrX-77243784-T-G.
Other names: c.167T>G, p.Leu56Arg (NM_001282224.2); short protein forms L56R.
Identifiers: ClinVar variation 1777890 (VCV001777890.2), dbSNP rs2522288840, ClinGen allele CA413598877.